The following is an entry in ClinVar:

NM_001023570.4(IQCB1):c.1486G>C (p.Gly496Arg)

Gene: IQCB1 (IQ motif containing B1; minus strand). Cytogenetic location: 3q13.33.
Variant type: single nucleotide variant.
Coding change: c.1486G>C on transcript NM_001023570.4 (MANE Select); coding-DNA position 1486, G replaced by C.
Protein change: p.Gly496Arg; replaces glycine 496 with arginine.
Molecular consequence: missense variant. On other transcripts: non-coding transcript variant (1).
Genome position (GRCh38, 1-based): chr3:121,772,638, C>G on the plus strand (G>C on the coding strand, the complement: IQCB1 is on the minus strand). VCF-style: chr3-121772638-C-G. GRCh37 (hg19) VCF-style: chr3-121491485-C-G.
Other names: c.1087G>C, p.Gly363Arg (NM_001023571.4); c.1486G>C, p.Gly496Arg (NM_001319107.2); c.1486G>C (NM_001023570.2); short protein forms G363R, G496R.
Identifiers: ClinVar variation 3684384 (VCV003684384.3).

ClinVar aggregate classification (germline): Uncertain significance. Review status: criteria provided, multiple submitters, no conflicts (2 of 4 stars). 2 submissions from 2 submitters: Uncertain significance (2). Last evaluated 2025-02-23.

Conditions:
Inborn genetic diseases. Identifiers: MedGen C0950123, MeSH D030342.
Nephronophthisis. Also called: Juvenile Nephronophthisis. Identifiers: Orphanet 655, MedGen C0687120, MONDO:0019005, HP:0000090.

gnomAD v4.1: 2 of 1,614,126 alleles (0.00012%); highest among the groups gnomAD compares: African/African-American, 0.0013%; no homozygotes.

Submissions (2):

Ambry Genetics
Classification: Uncertain significance for Inborn genetic diseases. Last evaluated: 2025-02-23. Review status: criteria provided, single submitter. Criteria: Ambry Variant Classification Scheme 2023. Collection method: clinical testing. Allele origin: germline.

Labcorp Genetics (formerly Invitae), Labcorp
Classification: Uncertain significance for Nephronophthisis. Last evaluated: 2024-04-10. Review status: criteria provided, single submitter. Criteria: Invitae Variant Classification Sherloc (09022015). Collection method: clinical testing. Allele origin: germline.
Comment: This sequence change replaces glycine, which is neutral and non-polar, with arginine, which is basic and polar, at codon 496 of the IQCB1 protein (p.Gly496Arg). This variant is present in population databases (rs750023686, gnomAD 0.007%). This variant has not been reported in the literature in individuals affected with IQCB1-related conditions. Advanced modeling of protein sequence and biophysical properties (such as structural, functional, and spatial information, amino acid conservation, physicochemical variation, residue mobility, and thermodynamic stability) performed at Invitae indicates that this missense variant is not expected to disrupt IQCB1 protein function with a negative predictive value of 80%. In summary, the available evidence is currently insufficient to determine the role of this variant in disease. Therefore, it has been classified as a Variant of Uncertain Significance.